The following is an entry in ClinVar:

NM_004970.3(IGFALS):c.103dup (p.Glu35fs)

Gene: IGFALS (insulin like growth factor binding protein acid labile subunit; minus strand). Cytogenetic location: 16p13.3.
Variant type: Duplication.
Coding change: c.103dup on transcript NM_004970.3 (MANE Select); coding-DNA position 103, one base duplicated (G; older notation c.103dupG).
Protein change: p.Glu35fs; shifts the reading frame from glutamic acid 35.
Molecular consequence: frameshift variant. On other transcripts: non-coding transcript variant (1).
Genome position (GRCh38, 1-based): chr16:1,792,315, C duplicated on the plus strand (G on the coding strand, the reverse complement: IGFALS is on the minus strand); the first of 5 consecutive C bases (chr16:1,792,315-1,792,319); duplicating any one gives the same sequence. VCF-style (leftmost placement, unchanged base first): chr16-1792314-T-TC. GRCh37 (hg19) VCF-style: chr16-1842315-T-TC.
Other names: c.103dup (NM_004970.2); c.217dup, p.Glu73fs (NM_001146006.2); short protein forms E35fs, E73fs.
Identifiers: ClinVar variation 1068339 (VCV001068339.11), dbSNP rs587776686, ClinGen allele CA7820719.

ClinVar aggregate classification (germline): Pathogenic/Likely pathogenic. Review status: criteria provided, multiple submitters, no conflicts (2 of 4 stars). 3 submissions from 3 submitters: Pathogenic (2); Likely pathogenic (1). Last evaluated 2026-02-20.

Conditions:
IGFALS-related disorder. Also called: IGFALS-related condition.

Submissions (3):

GeneDx
Classification: Likely pathogenic. Last evaluated: 2026-02-20. Review status: criteria provided, single submitter. Criteria: GeneDx Variant Classification Process June 2021. Collection method: clinical testing. Allele origin: germline.
Comment: Frameshift variant predicted to result in abnormal protein length as the last 571 amino acids are replaced with 16 different amino acids, and other similar variants have been reported in HGMD; Not observed at significant frequency in large population cohorts (gnomAD); Functional studies showed that the variant had altered expression; however, additional studies are required to evaluate intracellular localization and trafficking as well as expression at the mRNA level and ternary complex formation (PMID: 27018247); This variant is associated with the following publications: (PMID: 28445628, 27018247, 20591980)

Labcorp Genetics (formerly Invitae), Labcorp
Classification: Pathogenic. Last evaluated: 2022-07-26. Review status: criteria provided, single submitter. Criteria: Invitae Variant Classification Sherloc (09022015). Collection method: clinical testing. Allele origin: germline.
Comment: This sequence change creates a premature translational stop signal (p.Glu35Glyfs*17) in the IGFALS gene. While this is not anticipated to result in nonsense mediated decay, it is expected to disrupt the last 571 amino acid(s) of the IGFALS protein. This variant is present in population databases (rs766644457, gnomAD 0.02%). This premature translational stop signal has been observed in individuals with acid-labile subunit deficiency (PMID: 20591980, 28445628). It has also been observed to segregate with disease in related individuals. ClinVar contains an entry for this variant (Variation ID: 1068339). Algorithms developed to predict the effect of variants on protein structure and function are not available or were not evaluated for this variant. Experimental studies have shown that this premature translational stop signal affects IGFALS function (PMID: 27018247). For these reasons, this variant has been classified as Pathogenic.

Blueprint Genetics
Classification: Pathogenic for IGFALS-related disorders. Last evaluated: 2020-05-08. Review status: criteria provided, single submitter. Criteria: ACMG Guidelines, 2015. Collection method: clinical testing. Allele origin: germline. Affected: yes. Observed: 1 variant allele.

Literature cited by the submitters: PubMed 20591980 (cited by Labcorp Genetics (formerly Invitae), Labcorp); PubMed 28445628 (cited by Labcorp Genetics (formerly Invitae), Labcorp); PubMed 27018247 (cited by Labcorp Genetics (formerly Invitae), Labcorp).